The following is an entry in ClinVar:

NM_000548.5(TSC2):c.1840-3C>A

Gene: TSC2 (TSC complex subunit 2; plus strand). Cytogenetic location: 16p13.3.
Variant type: single nucleotide variant.
Coding change: c.1840-3C>A on transcript NM_000548.5 (MANE Select); 3 bases into the intron before coding-DNA position 1840, C replaced by A.
Molecular consequence: intron variant.
Genome position (GRCh38, 1-based): chr16:2,071,507, C>A. VCF-style: chr16-2071507-C-A. GRCh37 (hg19) VCF-style: chr16-2121508-C-A.
Other names: c.1240-3C>A (NM_001406687.1, NM_001406680.1, NM_001406683.1 and 6 more transcripts); c.496-3C>A (NM_001406689.1, NM_001406690.1, NM_001406692.1 and 6 more transcripts); c.1930-3C>A (NM_001406667.1, NM_001406668.1); c.238-3C>A (NM_001406698.1); c.1840-3C>A (NM_001114382.3, NM_001406663.1, NM_001406664.1 and 6 more transcripts); c.1729-3C>A (NM_001318827.2, NM_001406678.1, NM_001406670.1); c.1693-3C>A (NM_001406679.1, NM_001406675.1, NM_001406676.1 and 1 more transcripts); c.1873-3C>A (NM_001318832.2); and 3 more.
Identifiers: ClinVar variation 2767028 (VCV002767028.3), dbSNP rs397515154, ClinGen allele CA2631136402.

ClinVar aggregate classification (germline): Uncertain significance (1 of 4 stars; one submission).

Conditions:
Tuberous sclerosis 2 (TSC2). Identifiers: Orphanet 805, MedGen C1860707, MONDO:0013199, OMIM 613254.

gnomAD v4.1: 2 of 1,613,624 alleles (0.00012%); highest among the groups gnomAD compares: Non-Finnish European, 0.00017%; no homozygotes.

Submission:

Labcorp Genetics (formerly Invitae), Labcorp
Classification: Uncertain significance for Tuberous sclerosis 2. Last evaluated: 2023-10-09. Review status: criteria provided, single submitter. Criteria: Invitae Variant Classification Sherloc (09022015). Collection method: clinical testing. Allele origin: germline.
Comment: This sequence change falls in intron 17 of the TSC2 gene. It does not directly change the encoded amino acid sequence of the TSC2 protein. It affects a nucleotide within the consensus splice site. This variant is not present in population databases (gnomAD no frequency). This variant has not been reported in the literature in individuals affected with TSC2-related conditions. Variants that disrupt the consensus splice site are a relatively common cause of aberrant splicing (PMID: 17576681, 9536098). Algorithms developed to predict the effect of sequence changes on RNA splicing suggest that this variant is not likely to affect RNA splicing. In summary, the available evidence is currently insufficient to determine the role of this variant in disease. Therefore, it has been classified as a Variant of Uncertain Significance.

Literature cited by the submitters: PubMed 17576681; PubMed 9536098.